The following is an entry in ClinVar:

ClinVar aggregate classification (germline): Likely pathogenic. Review status: criteria provided, single submitter (1 of 4 stars). 2 submissions from 2 submitters: Likely pathogenic (1). 1 of the submissions does not count toward it. Last evaluated 2019-06-13.

Conditions:
Basal ganglia calcification, idiopathic, 7, autosomal recessive. Also called: PRIMARY FAMILIAL BRAIN CALCIFICATION 7, AUTOSOMAL RECESSIVE. Identifiers: MedGen C5193025, MONDO:0032673, OMIM 618317.

Submissions (2):

SIB Swiss Institute of Bioinformatics
Classification: Likely pathogenic for Basal ganglia calcification, idiopathic, 7, autosomal recessive. Last evaluated: 2019-06-13. Review status: criteria provided, single submitter. Criteria: ACMG Guidelines, 2015. Collection method: curation. Allele origin: unknown.
Comment: This variant is interpreted as a Likely pathogenic for Basal ganglia calcification, idiopathic, 7, autosomal recessive. The following ACMG Tag(s) were applied: PM2, PVS1-Strong.

OMIM
Classification: Pathogenic for PRIMARY FAMILIAL BRAIN CALCIFICATION 7, AUTOSOMAL RECESSIVE. Last evaluated: 2026-11-13. Review status: no assertion criteria provided. Collection method: literature only. Allele origin: germline. Not counted in ClinVar's aggregate classification.

Literature cited by the submitters: PubMed 29910000 (cited by SIB Swiss Institute of Bioinformatics and OMIM).

NM_020702.5(MYORG):c.607C>T (p.Gln203Ter)

Gene: MYORG (myogenesis regulating glycosidase; minus strand). Cytogenetic location: 9p13.3.
Variant type: single nucleotide variant.
Coding change: c.607C>T on transcript NM_020702.5 (MANE Select); coding-DNA position 607, C replaced by T.
Protein change: p.Gln203Ter; replaces glutamine 203 with a stop codon.
Molecular consequence: nonsense.
Genome position (GRCh38, 1-based): chr9:34,372,337, G>A on the plus strand (C>T on the coding strand, the complement: MYORG is on the minus strand). VCF-style: chr9-34372337-G-A. GRCh37 (hg19) VCF-style: chr9-34372335-G-A.
Other names: short protein forms Q203*.
Identifiers: ClinVar variation 617692 (VCV000617692.3), dbSNP rs1563982489, ClinGen allele CA373245561.